The following is an entry in ClinVar:

ClinVar aggregate classification (germline): Uncertain significance (1 of 4 stars; one submission).

Conditions:
Lower motor neuron syndrome with late-adult onset (SMAJ). Also called: Spinal muscular atrophy, Jokela type; Late-Onset Spinal Motor Neuronopathy (SMAJ). Identifiers: Orphanet 276435, MedGen C3554398, MONDO:0014025, OMIM 615048.
Frontotemporal dementia and/or amyotrophic lateral sclerosis 2. Also called: FTDALS2. Identifiers: Orphanet 275872, MedGen C4014648, MONDO:0014395, OMIM 615911.
Autosomal dominant mitochondrial myopathy with exercise intolerance (IMMD). Also called: Myopathy, isolated mitochondrial, autosomal dominant. Identifiers: Orphanet 457050, MedGen C4015513, MONDO:0014532, OMIM 616209.

Submission:

Labcorp Genetics (formerly Invitae), Labcorp
Classification: Uncertain significance for Lower motor neuron syndrome with late-adult onset; Frontotemporal dementia and/or amyotrophic lateral sclerosis 2; Autosomal dominant mitochondrial myopathy with exercise intolerance. Last evaluated: 2018-12-14. Review status: criteria provided, single submitter. Criteria: Invitae Variant Classification Sherloc (09022015). Collection method: clinical testing. Allele origin: germline.
Comment: In summary, the available evidence is currently insufficient to determine the role of this variant in disease. Therefore, it has been classified as a Variant of Uncertain Significance. Algorithms developed to predict the effect of sequence changes on RNA splicing suggest that this variant is not likely to affect RNA splicing, but this prediction has not been confirmed by published transcriptional studies. This variant has not been reported in the literature in individuals with CHCHD10-related conditions. The frequency data for this variant in the population databases is considered unreliable, as metrics indicate insufficient coverage at this position in the ExAC database. This sequence change affects codon 14 of the CHCHD10 mRNA. It is a 'silent' change, meaning that it does not change the encoded amino acid sequence of the CHCHD10 protein.

NM_213720.3(CHCHD10):c.42C>T (p.Ser14=)

Gene: CHCHD10 (coiled-coil-helix-coiled-coil-helix domain containing 10; minus strand). Cytogenetic location: 22q11.23.
Variant type: single nucleotide variant.
Coding change: c.42C>T on transcript NM_213720.3 (MANE Select); coding-DNA position 42, C replaced by T.
Protein change: p.Ser14=; no amino-acid change (serine 14 retained).
Molecular consequence: synonymous variant.
Genome position (GRCh38, 1-based): chr22:23,767,593, G>A on the plus strand (C>T on the coding strand, the complement: CHCHD10 is on the minus strand). VCF-style: chr22-23767593-G-A. GRCh37 (hg19) VCF-style: chr22-24109780-G-A.
Other names: c.42C>T, p.Ser14= (NM_001301339.2).
Identifiers: ClinVar variation 655645 (VCV000655645.8), dbSNP rs1447212146, ClinGen allele CA513746150.